The following is an entry in ClinVar:

ClinVar aggregate classification (germline): Likely benign. Review status: criteria provided, multiple submitters, no conflicts (2 of 4 stars). 2 submissions from 2 submitters: Likely benign (2). Last evaluated 2024-10-21.

Conditions:
GNE myopathy (NM). Also called: INCLUSION BODY MYOPATHY, HEREDITARY, AUTOSOMAL RECESSIVE; IBM 2; Inclusion body myopathy autosomal recessive; Inclusion body myopathy quadriceps sparing; NONAKA DISTAL MYOPATHY; INCLUSION BODY MYOPATHY 2, AUTOSOMAL RECESSIVE. Identifiers: Orphanet 602, MedGen C1853926, MONDO:0011603, OMIM 605820.
Sialuria. Also called: Sialic Acid Storage Disease; SIALURIA, FRENCH TYPE. Identifiers: Orphanet 3166, MedGen C0342853, MONDO:0010028, OMIM 269921.

Allele frequency attached by ClinVar (database versions not stated): gnomAD exomes 0.00001 and 0.00002; gnomAD 0.00003 and 0.00004; TOPMed 0.00003.
gnomAD v4.1: 35 of 1,613,260 alleles (0.0022%); highest among the groups gnomAD compares: Admixed American, 0.0033%; no homozygotes.

Submissions (2):

Labcorp Genetics (formerly Invitae), Labcorp
Classification: Likely benign for Sialuria; GNE myopathy. Last evaluated: 2024-10-21. Review status: criteria provided, single submitter. Criteria: Invitae Variant Classification Sherloc (09022015). Collection method: clinical testing. Allele origin: germline.

GeneDx
Classification: Likely benign. Last evaluated: 2016-10-21. Review status: criteria provided, single submitter. Criteria: GeneDx Variant Classification (06012015). Collection method: clinical testing. Allele origin: germline. Affected: yes.
Comment: This variant is considered likely benign or benign based on one or more of the following criteria: it is a conservative change, it occurs at a poorly conserved position in the protein, it is predicted to be benign by multiple in silico algorithms, and/or has population frequency not consistent with disease.

NM_005476.7(GNE):c.765C>T (p.Asp255=)

Gene: GNE (glucosamine (UDP-N-acetyl)-2-epimerase/N-acetylmannosamine kinase; minus strand). Cytogenetic location: 9p13.3.
Variant type: single nucleotide variant.
Coding change: c.765C>T on transcript NM_005476.7 (MANE Select); coding-DNA position 765, C replaced by T.
Protein change: p.Asp255=; no amino-acid change (aspartic acid 255 retained).
Molecular consequence: synonymous variant. On other transcripts: intron variant (2).
Genome position (GRCh38, 1-based): chr9:36,236,836, G>A on the plus strand (C>T on the coding strand, the complement: GNE is on the minus strand). VCF-style: chr9-36236836-G-A. GRCh37 (hg19) VCF-style: chr9-36236833-G-A.
Other names: c.858C>T, p.Asp286= (NM_001128227.3); c.765C>T, p.Asp255= (NM_001190383.3); c.588C>T, p.Asp196= (NM_001190388.2, NM_001374798.1); c.440-2704C>T (NM_001190384.3); c.617-2704C>T (NM_001374797.1).
Identifiers: ClinVar variation 389835 (VCV000389835.11), dbSNP rs775805166, ClinGen allele CA16605710.